The following is an entry in ClinVar:

NM_022089.4(ATP13A2):c.1999G>A (p.Glu667Lys)

Gene: ATP13A2 (ATPase cation transporting 13A2; minus strand). Cytogenetic location: 1p36.13.
Variant type: single nucleotide variant.
Coding change: c.1999G>A on transcript NM_022089.4 (MANE Select); coding-DNA position 1999, G replaced by A.
Protein change: p.Glu667Lys; replaces glutamic acid 667 with lysine.
Molecular consequence: missense variant.
Genome position (GRCh38, 1-based): chr1:16,992,249, C>T on the plus strand (G>A on the coding strand, the complement: ATP13A2 is on the minus strand). VCF-style: chr1-16992249-C-T. GRCh37 (hg19) VCF-style: chr1-17318744-C-T.
Other names: c.1984G>A, p.Glu662Lys (NM_001141973.3, NM_001141974.3); short protein forms E667K, E662K.
Identifiers: ClinVar variation 3131383 (VCV003131383.3), dbSNP rs776426461, ClinGen allele CA637018.
Genomic context (GRCh38, chr1:16,992,249, plus strand): 5'-ACCCCATTCTGTGCCAATGCCCAACCAGGGGGACTCAGGGGCTTCCCCCTGCACCTGTCT[C>T]GGGGTTGCAGAGCCCTGCCACCAGCTCCGGGGAGCCTTTGACGTAGGCCTCGGGCTGAGT-3'
Protein context (NP_071372.1, residues 657-677): PELVAGLCNP[Glu667Lys]TVPTDFAQML

ClinVar aggregate classification (germline): Uncertain significance. Review status: criteria provided, multiple submitters, no conflicts (2 of 4 stars). 2 submissions from 2 submitters: Uncertain significance (2). Last evaluated 2024-03-05.

Conditions:
Autosomal recessive spastic paraplegia type 78. Identifiers: Orphanet 513436, MedGen C5567893, MONDO:0014975, OMIM 617225.
Kufor-Rakeb syndrome (KRS). Also called: PARKINSON DISEASE 9, AUTOSOMAL RECESSIVE, JUVENILE-ONSET. Identifiers: Orphanet 306674, Orphanet 314632, MedGen C1847640, MONDO:0011706, OMIM 606693.
Inborn genetic diseases. Identifiers: MedGen C0950123, MeSH D030342.

Allele frequency attached by ClinVar (database versions not stated): TOPMed below 0.00001; gnomAD 0.00001; gnomAD exomes 0.00001.
gnomAD v4.1: 15 of 1,612,500 alleles (0.00093%); highest among the groups gnomAD compares: African/African-American, 0.0027%; no homozygotes.

Submissions (2):

Labcorp Genetics (formerly Invitae), Labcorp
Classification: Uncertain significance for Kufor-Rakeb syndrome; Autosomal recessive spastic paraplegia type 78. Last evaluated: 2024-03-05. Review status: criteria provided, single submitter. Criteria: Invitae Variant Classification Sherloc (09022015). Collection method: clinical testing. Allele origin: germline.
Comment: This sequence change replaces glutamic acid, which is acidic and polar, with lysine, which is basic and polar, at codon 667 of the ATP13A2 protein (p.Glu667Lys). The frequency data for this variant in the population databases is considered unreliable, as metrics indicate poor data quality at this position in the gnomAD database. This variant has not been reported in the literature in individuals affected with ATP13A2-related conditions. Advanced modeling of protein sequence and biophysical properties (such as structural, functional, and spatial information, amino acid conservation, physicochemical variation, residue mobility, and thermodynamic stability) performed at Invitae indicates that this missense variant is not expected to disrupt ATP13A2 protein function with a negative predictive value of 80%. In summary, the available evidence is currently insufficient to determine the role of this variant in disease. Therefore, it has been classified as a Variant of Uncertain Significance.

Ambry Genetics
Classification: Uncertain significance for Inborn genetic diseases. Last evaluated: 2024-02-05. Review status: criteria provided, single submitter. Criteria: Ambry Variant Classification Scheme 2023. Collection method: clinical testing. Allele origin: germline.